The following is an entry in ClinVar:

ClinVar aggregate classification (germline): Likely benign (1 of 4 stars; one submission).

gnomAD v4.1: 99 of 1,613,860 alleles (0.0061%); highest among the groups gnomAD compares: African/African-American, 0.11%; no homozygotes.

Submission:

CeGaT Center for Human Genetics Tuebingen
Classification: Likely benign. Last evaluated: 2026-03-01. Review status: criteria provided, single submitter. Criteria: CeGaT Center For Human Genetics Tuebingen Variant Classification Criteria Version 2. Collection method: clinical testing. Allele origin: germline. Affected: yes. Observed: 1 variant allele.
Comment: ARMC5: BP4

NM_001105247.2(ARMC5):c.1864+171T>C

Gene: ARMC5 (armadillo repeat containing 5; plus strand). Cytogenetic location: 16p11.2.
Variant type: single nucleotide variant.
Coding change: c.1864+171T>C on transcript NM_001105247.2 (MANE Select); 171 bases into the intron after coding-DNA position 1864, T replaced by C.
Molecular consequence: intron variant. On other transcripts: missense variant (1).
Genome position (GRCh38, 1-based): chr16:31,465,058, T>C. VCF-style: chr16-31465058-T-C. GRCh37 (hg19) VCF-style: chr16-31476379-T-C.
Other names: c.2035T>C, p.Trp679Arg (NM_024742.2); c.2149+171T>C (NM_001288767.2); c.1960+171T>C (NM_001301820.1); short protein forms W679R.
Identifiers: ClinVar variation 4821735 (VCV004821735.4).